The following is an entry in ClinVar:

ClinVar aggregate classification (germline): Uncertain significance. Review status: criteria provided, multiple submitters, no conflicts (2 of 4 stars). 2 submissions from 2 submitters: Uncertain significance (2). Last evaluated 2025-08-18.

Conditions:
Emery-Dreifuss muscular dystrophy 5, autosomal dominant (EDMD5). Also called: EMERY-DREIFUSS MUSCULAR DYSTROPHY 5. Identifiers: Orphanet 261, MedGen C2751805, MONDO:0013072, OMIM 612999.

gnomAD v4.1: 10 of 1,613,902 alleles (0.00062%); highest among the groups gnomAD compares: Non-Finnish European, 0.00085%; no homozygotes.

Submissions (2):

Labcorp Genetics (formerly Invitae), Labcorp
Classification: Uncertain significance for Emery-Dreifuss muscular dystrophy 5, autosomal dominant. Last evaluated: 2025-08-18. Review status: criteria provided, single submitter. Criteria: Invitae Variant Classification Sherloc (09022015). Collection method: clinical testing. Allele origin: germline.
Comment: This sequence change replaces methionine, which is neutral and non-polar, with threonine, which is neutral and polar, at codon 3343 of the SYNE2 protein (p.Met3343Thr). This variant is present in population databases (no rsID available, gnomAD 0.0009%). This variant has not been reported in the literature in individuals affected with SYNE2-related conditions. ClinVar contains an entry for this variant (Variation ID: 3451881). An algorithm developed to predict the effect of missense changes on protein structure and function (PolyPhen-2) suggests that this variant is likely to be tolerated. In summary, the available evidence is currently insufficient to determine the role of this variant in disease. Therefore, it has been classified as a Variant of Uncertain Significance.

Ambry Genetics
Classification: Uncertain significance. Last evaluated: 2024-11-21. Review status: criteria provided, single submitter. Criteria: Ambry Variant Classification Scheme 2023. Collection method: clinical testing. Allele origin: germline.

NM_182914.3(SYNE2):c.10028T>C (p.Met3343Thr)

Gene: SYNE2 (spectrin repeat containing nuclear envelope protein 2; plus strand). Cytogenetic location: 14q23.2.
Variant type: single nucleotide variant.
Coding change: c.10028T>C on transcript NM_182914.3 (MANE Select); coding-DNA position 10028, T replaced by C.
Protein change: p.Met3343Thr; replaces methionine 3343 with threonine.
Molecular consequence: missense variant.
Genome position (GRCh38, 1-based): chr14:64,056,227, T>C. VCF-style: chr14-64056227-T-C. GRCh37 (hg19) VCF-style: chr14-64522945-T-C.
Other names: c.10028T>C, p.Met3343Thr (NM_015180.6); short protein forms M3343T.
Identifiers: ClinVar variation 3451881 (VCV003451881.2).